The following is an entry in ClinVar:

ClinVar aggregate classification (germline): no classifications from unflagged records (0 of 4 stars; one submission).

Conditions:
Catecholaminergic polymorphic ventricular tachycardia 1. Also called: RYR2-Related Catecholaminergic Polymorphic Ventricular Tachycardia; VENTRICULAR TACHYCARDIA, CATECHOLAMINERGIC POLYMORPHIC, 1, WITH OR WITHOUT ATRIAL DYSFUNCTION AND/OR DILATED CARDIOMYOPATHY; VENTRICULAR TACHYCARDIA, STRESS-INDUCED POLYMORPHIC 1. Identifiers: Orphanet 3286, MedGen C1631597, MONDO:0011484, OMIM 604772.

Submission:

Labcorp Genetics (formerly Invitae), Labcorp
Classification: Likely pathogenic for Catecholaminergic polymorphic ventricular tachycardia 1. Last evaluated: 2023-07-17. Review status: flagged submission. Criteria: Invitae Variant Classification Sherloc (09022015). Collection method: clinical testing. Allele origin: germline.
Comment: In summary, the currently available evidence indicates that the variant is pathogenic, but additional data are needed to prove that conclusively. Therefore, this variant has been classified as Likely Pathogenic. Algorithms developed to predict the effect of sequence changes on RNA splicing suggest that this variant may disrupt the consensus splice site. This variant has not been reported in the literature in individuals affected with TRDN-related conditions. This variant is not present in population databases (gnomAD no frequency). This sequence change affects an acceptor splice site in intron 21 of the TRDN gene. It is expected to disrupt RNA splicing. Variants that disrupt the donor or acceptor splice site typically lead to a loss of protein function (PMID: 16199547), and loss-of-function variants in TRDN are known to be pathogenic (PMID: 22422768, 25922419, 26200674, 30649896).
ClinVar note: Notes: This variant occurs in exons 9-41 of the MANE Select NM_006073.4 transcript but no valid P/LP variants have been reported due to the predominant transcript in cardiac tissue being one with only 8 exons (NM_001256021.1).
ClinVar note: Reason: Claim with insufficient supporting evidence

Literature cited by the submitters: PubMed 16199547; PubMed 22422768; PubMed 25922419; PubMed 26200674; PubMed 30649896.

NM_006073.4(TRDN):c.1370-2A>G

Gene: TRDN (triadin; minus strand). Cytogenetic location: 6q22.31.
Variant type: single nucleotide variant.
Coding change: c.1370-2A>G on transcript NM_006073.4 (MANE Select); the canonical splice acceptor site of the intron before coding-DNA position 1370, A replaced by G.
Molecular consequence: splice acceptor variant.
Genome position (GRCh38, 1-based): chr6:123,337,671, T>C on the plus strand (A>G on the coding strand, the complement: TRDN is on the minus strand). VCF-style: chr6-123337671-T-C. GRCh37 (hg19) VCF-style: chr6-123658816-T-C.
Identifiers: ClinVar variation 2879952 (VCV002879952.2), dbSNP rs2533719736, ClinGen allele CA365564981.